The following is an entry in ClinVar:

ClinVar aggregate classification (germline): Likely benign. Review status: criteria provided, multiple submitters, no conflicts (2 of 4 stars). 2 submissions from 2 submitters: Likely benign (2). Last evaluated 2026-02-01.

gnomAD v4.1: 816 of 1,612,066 alleles (0.051%); highest among the groups gnomAD compares: Admixed American, 0.73%; 2 homozygotes.

Submissions (2):

CeGaT Center for Human Genetics Tuebingen
Classification: Likely benign. Last evaluated: 2026-02-01. Review status: criteria provided, single submitter. Criteria: CeGaT Center For Human Genetics Tuebingen Variant Classification Criteria Version 2. Collection method: clinical testing. Allele origin: germline. Affected: yes. Observed: 1 variant allele.
Comment: TRIM22: BP4, BS2

Blueprint Genetics
Classification: Likely benign. Last evaluated: 2024-11-04. Review status: criteria provided, single submitter. Criteria: ACMG Guidelines, 2015. Collection method: clinical testing. Allele origin: germline.

NM_006074.5(TRIM22):c.763G>A (p.Val255Ile)

Gene: TRIM22 (tripartite motif containing 22; plus strand). Cytogenetic location: 11p15.4.
Variant type: single nucleotide variant.
Coding change: c.763G>A on transcript NM_006074.5 (MANE Select); coding-DNA position 763, G replaced by A.
Protein change: p.Val255Ile; replaces valine 255 with isoleucine.
Molecular consequence: missense variant.
Genome position (GRCh38, 1-based): chr11:5,706,606, G>A. VCF-style: chr11-5706606-G-A. GRCh37 (hg19) VCF-style: chr11-5727836-G-A.
Other names: c.751G>A, p.Val251Ile (NM_001199573.2); short protein forms V251I, V255I.
Identifiers: ClinVar variation 4821234 (VCV004821234.5).
Genomic context (GRCh38, chr11:5,706,606, plus strand): 5'-TAAATCTGGCAACCCTATCTTGACTCATGTTTTCTATCTTTTCCCCAGGATGTGATTGAC[G>A]TCATGAAAAGGTATATGTGGAAGAGAGATGTGGTCTTATTTGTCTGAAAAGAGAATTATA-3'
Protein context (NP_006065.2, residues 245-265): SVEMLQDVID[Val255Ile]MKRSESWTLK